The following is an entry in ClinVar:

ClinVar aggregate classification (germline): Likely benign. Review status: criteria provided, single submitter (1 of 4 stars). 2 submissions from 2 submitters: Likely benign (1). 1 of the submissions does not count toward it. Last evaluated 2026-07-01.

Conditions:
HERC2-related disorder. Also called: HERC2-related condition.

Allele frequency attached by ClinVar (database versions not stated): ExAC 0.00027; ESP Exome Variant Server 0.00092; 1000 Genomes Project 30x 0.00094; gnomAD 0.00108; TOPMed 0.00116; 1000 Genomes Project 0.00120.
gnomAD v4.1: 341 of 1,614,076 alleles (0.021%); highest among the groups gnomAD compares: African/African-American, 0.39%; 1 homozygote.

Submissions (2):

CeGaT Center for Human Genetics Tuebingen
Classification: Likely benign. Last evaluated: 2026-07-01. Review status: criteria provided, single submitter. Criteria: CeGaT Center For Human Genetics Tuebingen Variant Classification Criteria Version 2. Collection method: clinical testing. Allele origin: germline. Affected: yes. Observed: 2 variant alleles.
Comment: HERC2: BP4, BP7

PreventionGenetics, part of Exact Sciences
Classification: Likely benign for HERC2-related condition. Last evaluated: 2019-10-28. Review status: no assertion criteria provided. Collection method: clinical testing. Allele origin: germline. Not counted in ClinVar's aggregate classification.
Comment: This variant is classified as likely benign based on ACMG/AMP sequence variant interpretation guidelines (Richards et al. 2015 PMID: 25741868, with internal and published modifications).

NM_004667.6(HERC2):c.11818C>A (p.Arg3940=)

Gene: HERC2 (HECT and RLD domain containing E3 ubiquitin protein ligase 2; minus strand). Cytogenetic location: 15q13.1.
Variant type: single nucleotide variant.
Coding change: c.11818C>A on transcript NM_004667.6 (MANE Select); coding-DNA position 11818, C replaced by A.
Protein change: p.Arg3940=; no amino-acid change (arginine 3940 retained).
Molecular consequence: synonymous variant.
Genome position (GRCh38, 1-based): chr15:28,141,629, G>T on the plus strand (C>A on the coding strand, the complement: HERC2 is on the minus strand). VCF-style: chr15-28141629-G-T. GRCh37 (hg19) VCF-style: chr15-28386775-G-T.
Identifiers: ClinVar variation 3039846 (VCV003039846.10), dbSNP rs149707599, ClinGen allele CA7440444.